The following is an entry in ClinVar:

ClinVar aggregate classification (germline): Uncertain significance (1 of 4 stars; one submission).

gnomAD v4.1: 2 of 1,614,170 alleles (0.00012%); highest among the groups gnomAD compares: South Asian, 0.0011%; no homozygotes.

Submission:

Ambry Genetics
Classification: Uncertain significance. Last evaluated: 2024-10-18. Review status: criteria provided, single submitter. Criteria: Ambry Variant Classification Scheme 2023. Collection method: clinical testing. Allele origin: germline.
Comment: The p.T196K variant (also known as c.587C>A), located in coding exon 3 of the ALPK2 gene, results from a C to A substitution at nucleotide position 587. The threonine at codon 196 is replaced by lysine, an amino acid with similar properties. This amino acid position is conserved. In addition, this alteration is predicted to be tolerated by in silico analysis. Based on the available evidence, the clinical significance of this variant remains unclear.

NM_052947.4(ALPK2):c.587C>A (p.Thr196Lys)

Gene: ALPK2 (alpha kinase 2; minus strand). Cytogenetic location: 18q21.31.
Variant type: single nucleotide variant.
Coding change: c.587C>A on transcript NM_052947.4 (MANE Select); coding-DNA position 587, C replaced by A.
Protein change: p.Thr196Lys; replaces threonine 196 with lysine.
Molecular consequence: missense variant.
Genome position (GRCh38, 1-based): chr18:58,580,189, G>T on the plus strand (C>A on the coding strand, the complement: ALPK2 is on the minus strand). VCF-style: chr18-58580189-G-T. GRCh37 (hg19) VCF-style: chr18-56247421-G-T.
Other names: short protein forms T196K.
Identifiers: ClinVar variation 3530407 (VCV003530407.1).